The following is an entry in ClinVar:

ClinVar aggregate classification (germline): Uncertain significance (1 of 4 stars; one submission).

Submission:

Women's Health and Genetics/Laboratory Corporation of America, LabCorp
Classification: Uncertain significance. Last evaluated: 2025-04-23. Review status: criteria provided, single submitter. Criteria: LabCorp Variant Classification Summary - May 2015. Collection method: clinical testing. Allele origin: germline.
Comment: Variant summary: MARS1 c.2464-2A>C is located in a canonical splice-site and is predicted to affect mRNA splicing resulting in a significantly altered protein due to either exon skipping, shortening, or inclusion of intronic material. Variants that disrupt the consensus splice site are a relatively common cause of aberrant splicing, however current evidence is not sufficient to establish loss of function as a mechanism for disease. Several computational tools predict a significant impact on normal splicing: four predict the variant abolishes a 3' acceptor site. However, these predictions have yet to be confirmed by functional studies. The variant was absent in 1606996 control chromosomes in the gnomAD database (v4.1 dataset). The available data on variant occurrences in the general population are insufficient to allow any conclusion about variant significance. To our knowledge, no occurrence of c.2464-2A>C in individuals affected with MARS1-Related Disorders and no experimental evidence demonstrating its impact on protein function have been reported. No submitters have cited clinical-significance assessments for this variant to ClinVar. Based on the evidence outlined above, the variant was classified as uncertain significance.

NM_004990.4(MARS1):c.2464-2A>C

Gene: MARS1 (methionyl-tRNA synthetase 1; plus strand). Cytogenetic location: 12q13.3.
Variant type: single nucleotide variant.
Coding change: c.2464-2A>C on transcript NM_004990.4 (MANE Select); the canonical splice acceptor site of the intron before coding-DNA position 2464, A replaced by C.
Molecular consequence: splice acceptor variant.
Genome position (GRCh38, 1-based): chr12:57,516,243, A>C. VCF-style: chr12-57516243-A-C. GRCh37 (hg19) VCF-style: chr12-57910026-A-C.
Identifiers: ClinVar variation 3896671 (VCV003896671.2).
Genomic context (GRCh38, chr12:57,516,243, plus strand): 5'-TGTATAAAACTGGAGGTTAGGGGATATTTATGGTTGCTGGTGATAACTTTGTTGTTCTCC[A>C]GGCAAAAACGTCCCCGAAGCCAGCAGTTGTAGAGACTGTTACAACAGCCAAGCCACAGCA-3'